The following is an entry in ClinVar:

NM_000138.5(FBN1):c.3337+20A>G

Gene: FBN1 (fibrillin 1; minus strand). Cytogenetic location: 15q21.1.
Variant type: single nucleotide variant.
Coding change: c.3337+20A>G on transcript NM_000138.5 (MANE Select); 20 bases into the intron after coding-DNA position 3337, A replaced by G.
Molecular consequence: intron variant.
Genome position (GRCh38, 1-based): chr15:48,488,093, T>C on the plus strand (A>G on the coding strand, the complement: FBN1 is on the minus strand). VCF-style: chr15-48488093-T-C. GRCh37 (hg19) VCF-style: chr15-48780290-T-C.
Identifiers: ClinVar variation 439717 (VCV000439717.14), dbSNP rs757193641, ClinGen allele CA050343.
Genomic context (GRCh38, chr15:48,488,093, plus strand): 5'-ACCTGGAACATAGGCTATGAGCCATCAAAGCTTCATGGAATCCTTCTCTTTCTGTGTTGA[T>C]CAAATGATCCCAAACTTACCCATGCAGTTCTTCATCATCATGAATCCACTTTCATAGCCT-3'

ClinVar aggregate classification (germline): Likely benign. Review status: criteria provided, multiple submitters, no conflicts (2 of 4 stars). 5 submissions from 5 submitters: Likely benign (5). Last evaluated 2025-11-06.

Conditions:
Marfan syndrome (MFS). Also called: MARFAN SYNDROME, TYPE I; FBN1-Related Marfan Syndrome; Marfan syndrome type 1; Marfan's syndrome; Marfan syndrome, classic. Identifiers: Orphanet 284963, Orphanet 558, MedGen C0024796, MONDO:0007947, OMIM 154700.
Familial thoracic aortic aneurysm and aortic dissection (TAAD). Also called: Thoracic aortic aneurysms and dissections. Identifiers: Orphanet 91387, MedGen C4707243, MONDO:0019625.

Allele frequency attached by ClinVar (database versions not stated): gnomAD exomes 0.00002; TOPMed below 0.00001; ExAC 0.00002; gnomAD 0.00001.
gnomAD v4.1: 28 of 1,614,062 alleles (0.0017%); highest among the groups gnomAD compares: Middle Eastern, 0.099%; no homozygotes.

Submissions (5):

Labcorp Genetics (formerly Invitae), Labcorp
Classification: Likely benign for Marfan syndrome; Familial thoracic aortic aneurysm and aortic dissection. Last evaluated: 2025-11-06. Review status: criteria provided, single submitter. Criteria: Invitae Variant Classification Sherloc (09022015). Collection method: clinical testing. Allele origin: germline.

Women's Health and Genetics/Laboratory Corporation of America, LabCorp
Classification: Likely benign. Last evaluated: 2024-12-12. Review status: criteria provided, single submitter. Criteria: LabCorp Variant Classification Summary - May 2015. Collection method: clinical testing. Allele origin: germline.

Blueprint Genetics
Classification: Likely benign. Last evaluated: 2024-06-25. Review status: criteria provided, single submitter. Criteria: ACMG Guidelines, 2015. Collection method: clinical testing. Allele origin: germline.

GeneDx
Classification: Likely benign. Last evaluated: 2017-03-22. Review status: criteria provided, single submitter. Criteria: GeneDx Variant Classification (06012015). Collection method: clinical testing. Allele origin: germline. Affected: yes.
Comment: This variant is considered likely benign or benign based on one or more of the following criteria: it is a conservative change, it occurs at a poorly conserved position in the protein, it is predicted to be benign by multiple in silico algorithms, and/or has population frequency not consistent with disease.

ARUP Laboratories, Molecular Genetics and Genomics, ARUP Laboratories
Classification: Likely benign. Last evaluated: 2017-02-03. Review status: criteria provided, single submitter. Criteria: ARUP Molecular Germline Variant Investigation Process. Collection method: clinical testing. Allele origin: germline.